The following is an entry in ClinVar:

NM_003482.4(KMT2D):c.16237G>C (p.Ala5413Pro)

Gene: KMT2D (lysine methyltransferase 2D; minus strand). Cytogenetic location: 12q13.12.
Variant type: single nucleotide variant.
Coding change: c.16237G>C on transcript NM_003482.4 (MANE Select); coding-DNA position 16237, G replaced by C.
Protein change: p.Ala5413Pro; replaces alanine 5413 with proline.
Molecular consequence: missense variant.
Genome position (GRCh38, 1-based): chr12:49,022,691, C>G on the plus strand (G>C on the coding strand, the complement: KMT2D is on the minus strand). VCF-style: chr12-49022691-C-G. GRCh37 (hg19) VCF-style: chr12-49416474-C-G.
Other names: short protein forms A5413P.
Identifiers: ClinVar variation 4818874 (VCV004818874.1).

ClinVar aggregate classification (germline): Likely pathogenic (1 of 4 stars; one submission).

Conditions:
Kabuki syndrome 1 (KABUK1). Also called: KMT2D-Related Kabuki Syndrome. Identifiers: Orphanet 2322, MedGen CN030661, MONDO:0007843, OMIM 147920.

Submission:

MVZ Medizinische Genetik Mainz
Classification: Likely pathogenic for Kabuki syndrome 1. Last evaluated: 2026-03-02. Review status: criteria provided, single submitter. Criteria: UK Practice Guidelines For Variant Classification V4 01 2020. Collection method: clinical testing. Allele origin: germline. Inheritance: Autosomal dominant inheritance. Affected: yes. Observed: 1 variant allele.
Comment: ACMG Criteria: PP3_STR,PM2_SUP,PM5_SUP,PP2